The following is an entry in ClinVar:

NM_000059.4(BRCA2):c.428C>A (p.Pro143His)

Gene: BRCA2 (BRCA2 DNA repair associated; plus strand). Cytogenetic location: 13q13.1.
Variant type: single nucleotide variant.
Coding change: c.428C>A on transcript NM_000059.4 (MANE Select); coding-DNA position 428, C replaced by A.
Protein change: p.Pro143His; replaces proline 143 with histidine.
Molecular consequence: missense variant. On other transcripts: non-coding transcript variant (1).
Genome position (GRCh38, 1-based): chr13:32,326,103, C>A. VCF-style: chr13-32326103-C-A. GRCh37 (hg19) VCF-style: chr13-32900240-C-A.
Other names: c.428C>A, p.Pro143His (NM_001406719.1, NM_001406720.1, NM_001406721.1); c.59C>A, p.Pro20His (NM_001406722.1); short protein forms P143H, P20H.
Identifiers: ClinVar variation 2855791 (VCV002855791.3), dbSNP rs587782795, ClinGen allele CA387756963.

ClinVar aggregate classification (germline): Uncertain significance (1 of 4 stars; one submission).

Conditions:
Hereditary breast ovarian cancer syndrome. Also called: Hereditary breast and ovarian cancer syndrome (HBOC); Hereditary breast and ovarian cancer syndrome; Hereditary breast and/or ovarian cancer syndrome; Hereditary breast and ovarian cancer; Breast and ovarian cancer; BRCA1- and BRCA2-Associated Hereditary Breast and Ovarian Cancer. Identifiers: Orphanet 145, MedGen C0677776, MeSH D061325, MONDO:0003582. Disease mechanism: loss of function.

Submission:

Labcorp Genetics (formerly Invitae), Labcorp
Classification: Uncertain significance for Hereditary breast ovarian cancer syndrome. Last evaluated: 2023-04-13. Review status: criteria provided, single submitter. Criteria: Invitae Variant Classification Sherloc (09022015). Collection method: clinical testing. Allele origin: germline.
Comment: In summary, the available evidence is currently insufficient to determine the role of this variant in disease. Therefore, it has been classified as a Variant of Uncertain Significance. An algorithm developed to predict the effect of missense changes on protein structure and function (PolyPhen-2) suggests that this variant is likely to be disruptive. This variant has not been reported in the literature in individuals affected with BRCA2-related conditions. This variant is not present in population databases (gnomAD no frequency). This sequence change replaces proline, which is neutral and non-polar, with histidine, which is basic and polar, at codon 143 of the BRCA2 protein (p.Pro143His).